The following is an entry in ClinVar:

NM_014669.5(NUP93):c.490-10_490-7dup

Gene: NUP93 (nucleoporin 93; plus strand). Cytogenetic location: 16q13.
Variant type: Duplication.
Coding change: c.490-10_490-7dup on transcript NM_014669.5 (MANE Select); 10 bases into the intron before coding-DNA position 490 through 7 bases into the intron before coding-DNA position 490, 4 bases duplicated (TTAT; older notation c.490-10_490-7dupTTAT).
Molecular consequence: intron variant.
Genome position (GRCh38, 1-based): chr16:56,818,654-56,818,657, TTAT duplicated; duplicating any 4 consecutive bases within chr16:56,818,651-56,818,657 gives the same sequence; the c. name uses the placement nearest the transcript's 3' end. VCF-style (leftmost placement, unchanged base first): chr16-56818650-G-GTATT. GRCh37 (hg19) VCF-style: chr16-56852562-G-GTATT.
Other names: c.121-10_121-7dup (NM_001242795.2, NM_001242796.2); c.490-10_490-7dupTTAT (NM_014669.4).
Identifiers: ClinVar variation 1987239 (VCV001987239.5), dbSNP rs745658039, ClinGen allele CA8068110.

ClinVar aggregate classification (germline): Benign. Review status: criteria provided, single submitter (1 of 4 stars). 2 submissions from 2 submitters: Benign (1). 1 of the submissions does not count toward it. Last evaluated 2025-09-08.

Conditions:
NUP93-related disorder. Also called: NUP93-related condition.

Submissions (2):

Labcorp Genetics (formerly Invitae), Labcorp
Classification: Benign. Last evaluated: 2025-09-08. Review status: criteria provided, single submitter. Criteria: Invitae Variant Classification Sherloc (09022015). Collection method: clinical testing. Allele origin: germline.

PreventionGenetics, part of Exact Sciences
Classification: Likely benign for NUP93-related condition. Last evaluated: 2024-05-09. Review status: no assertion criteria provided. Collection method: clinical testing. Allele origin: germline. Not counted in ClinVar's aggregate classification.
Comment: This variant is classified as likely benign based on ACMG/AMP sequence variant interpretation guidelines (Richards et al. 2015 PMID: 25741868, with internal and published modifications).